The following is an entry in ClinVar:

NM_001242896.3(DEPDC5):c.1845del (p.Arg615fs)

Gene: DEPDC5 (DEP domain containing 5, GATOR1 subcomplex subunit; plus strand). Cytogenetic location: 22q12.3.
Variant type: Deletion.
Coding change: c.1845del on transcript NM_001242896.3 (MANE Select); coding-DNA position 1845, one base deleted (G; older notation c.1845delG).
Protein change: p.Arg615fs; shifts the reading frame from arginine 615.
Molecular consequence: frameshift variant. On other transcripts: non-coding transcript variant (5).
Genome position (GRCh38, 1-based): chr22:31,819,200, G deleted; the last of 2 consecutive G bases (chr22:31,819,199-31,819,200); deleting either gives the same sequence. VCF-style (leftmost placement, unchanged base first): chr22-31819198-AG-A. GRCh37 (hg19) VCF-style: chr22-32215184-AG-A.
Other names: c.1845del, p.Arg615fs (NM_001136029.4, NM_001242897.2, NM_001363852.2 and 6 more transcripts); c.1761del, p.Arg587fs (NM_001369901.1, NM_001369902.1); short protein forms R587fs, R615fs.
Identifiers: ClinVar variation 407342 (VCV000407342.10), dbSNP rs1060501487, ClinGen allele CA16616599.
Genomic context (GRCh38, chr22:31,819,198, plus strand): 5'-AGAGCACTGATTAACCCCTTCGCTCCCTCTCGGATGCCCATGAAGCTTACGTCCAACAGA[AG>A]GCGCTGGATGCACACTTTTCCTGTGGGTAAGTTGGTTGCTTAAGAGAGAGCCTTGGACTA-3'

ClinVar aggregate classification (germline): Pathogenic (1 of 4 stars; one submission).

Conditions:
Familial focal epilepsy with variable foci (FPEVF). Identifiers: Orphanet 98820, MedGen C1858477, MONDO:0020310.

Submission:

Labcorp Genetics (formerly Invitae), Labcorp
Classification: Pathogenic for Familial focal epilepsy with variable foci. Last evaluated: 2020-02-14. Review status: criteria provided, single submitter. Criteria: Invitae Variant Classification Sherloc (09022015). Collection method: clinical testing. Allele origin: germline.
Comment: This sequence change deletes 1 nucleotide from exon 22 of the DEPDC5 mRNA (c.1845delG), causing a frameshift at codon 615. This creates a premature translational stop signal (p.Arg615Serfsx47) and is expected to result in an absent or disrupted protein product. This variant is not present in population databases (ExAC no frequency). While this particular variant has not been reported in the literature, truncating variants in DEPDC5 are known to be pathogenic (PMID: 25599672, 26505888). For these reasons, this variant has been classified as Pathogenic.

Literature cited by the submitters: PubMed 25599672; PubMed 26505888.